The following is an entry in ClinVar:

ClinVar aggregate classification (germline): Benign/Likely benign. Review status: criteria provided, multiple submitters, no conflicts (2 of 4 stars). 2 submissions from 2 submitters: Benign (1); Likely benign (1). Last evaluated 2018-12-23.

Conditions:
Charcot-Marie-Tooth disease axonal type 2N (CMT2N). Also called: Charcot-Marie-Tooth Neuropathy Type 2N; CHARCOT-MARIE-TOOTH DISEASE, AXONAL, AUTOSOMAL DOMINANT, TYPE 2N; CHARCOT-MARIE-TOOTH NEUROPATHY, AXONAL, TYPE 2N. Identifiers: Orphanet 228174, MedGen C2750090, MONDO:0013212, OMIM 613287.

Allele frequency attached by ClinVar (database versions not stated): TOPMed 0.01339; 1000 Genomes Project 0.01538; gnomAD 0.01208 and 0.01298; 1000 Genomes Project 30x 0.01530; gnomAD exomes 0.00146.
gnomAD v4.1: 2,465 of 557,542 alleles (0.44%); highest among the groups gnomAD compares: African/African-American, 4.1%; 43 homozygotes.

Submissions (2):

GeneDx
Classification: Likely benign. Last evaluated: 2018-12-23. Review status: criteria provided, single submitter. Criteria: GeneDx Variant Classification Process June 2021. Collection method: clinical testing. Allele origin: germline. Affected: yes.

Illumina Laboratory Services, Illumina
Classification: Benign for Charcot-Marie-Tooth disease axonal type 2N. Last evaluated: 2018-01-13. Review status: criteria provided, single submitter. Criteria: ICSL Variant Classification Criteria 13 December 2019. Collection method: clinical testing. Allele origin: germline.
Comment: This variant was observed in the ICSL laboratory as part of a predisposition screen in an ostensibly healthy population. It had not been previously curated by ICSL or reported in the Human Gene Mutation Database (HGMD: prior to June 1st, 2018), and was therefore a candidate for classification through an automated scoring system. Utilizing variant allele frequency, disease prevalence and penetrance estimates, and inheritance mode, an automated score was calculated to assess if this variant is too frequent to cause the disease. Based on the score and internal cut-off values, a variant classified as benign is not then subjected to further curation. The score for this variant resulted in a classification of benign for this disease.

NM_001605.3(AARS1):c.*251A>C

Gene: AARS1 (alanyl-tRNA synthetase 1; minus strand). Cytogenetic location: 16q22.1.
Variant type: single nucleotide variant.
Coding change: c.*251A>C on transcript NM_001605.3 (MANE Select); 251 bases downstream of the stop codon, A replaced by C.
Molecular consequence: 3 prime UTR variant.
Genome position (GRCh38, 1-based): chr16:70,252,470, T>G on the plus strand (A>C on the coding strand, the complement: AARS1 is on the minus strand). VCF-style: chr16-70252470-T-G. GRCh37 (hg19) VCF-style: chr16-70286373-T-G.
Identifiers: ClinVar variation 320320 (VCV000320320.7), dbSNP rs116553521, ClinGen allele CA10648836.
Genomic context (GRCh38, chr16:70,252,470, plus strand): 5'-TTCTCTGCAGCAAAAACGATTCCTACTTGCTGACGCGGAAAGCTCAGGTCTGGAGAGCCG[T>G]TATCTATAGATGCGAGCGTGACGATCAACAGCAATGCGGGGTTAGTGGTTCTAGACCGAT-3'